The following is an entry in ClinVar:

ClinVar aggregate classification (germline): Likely benign. Review status: criteria provided, multiple submitters, no conflicts (2 of 4 stars). 2 submissions from 2 submitters: Likely benign (2). Last evaluated 2025-04-02.

Conditions:
Familial thoracic aortic aneurysm and aortic dissection (TAAD). Also called: Thoracic aortic aneurysms and dissections. Identifiers: Orphanet 91387, MedGen C4707243, MONDO:0019625.

gnomAD v4.1: 1 of 1,614,222 alleles (0.000062%); highest among the groups gnomAD compares: Non-Finnish European, 0.000085%; no homozygotes.

Submissions (2):

Ambry Genetics
Classification: Likely benign for Familial thoracic aortic aneurysm and aortic dissection. Last evaluated: 2025-04-02. Review status: criteria provided, single submitter. Criteria: Ambry Variant Classification Scheme 2023. Collection method: clinical testing. Allele origin: germline.

ARUP Laboratories, Molecular Genetics and Genomics, ARUP Laboratories
Classification: Likely benign. Last evaluated: 2017-05-16. Review status: criteria provided, single submitter. Criteria: ARUP Molecular Germline Variant Investigation Process. Collection method: clinical testing. Allele origin: germline.
Comment: The c.1209C>A variant has not been previously associated with any aortopathy and is absent from population databases such as 1000 Genomes, the NHLBI GO Exome Sequencing Project (ESP), and the Genome Aggregation Database (gnomAD) browser. However, this variant affects a weakly conserved nucleotide (Alamut software v 2.9), does not alter the amino acid sequence of MYLK protein, and is not predicted to alter MYLK mRNA splicing (Alamut software v 2.9). Therefore, the c.1209C>A variant is likely to be benign.

NM_053025.4(MYLK):c.1209C>A (p.Ile403=)

Gene: MYLK (myosin light chain kinase; minus strand). Cytogenetic location: 3q21.1.
Variant type: single nucleotide variant.
Coding change: c.1209C>A on transcript NM_053025.4 (MANE Select); coding-DNA position 1209, C replaced by A.
Protein change: p.Ile403=; no amino-acid change (isoleucine 403 retained).
Molecular consequence: synonymous variant.
Genome position (GRCh38, 1-based): chr3:123,733,787, G>T on the plus strand (C>A on the coding strand, the complement: MYLK is on the minus strand). VCF-style: chr3-123733787-G-T. GRCh37 (hg19) VCF-style: chr3-123452634-G-T.
Other names: c.1209C>A, p.Ile403= (NM_053026.4, NM_053027.4, NM_053028.4); c.681C>A, p.Ile227= (NM_001321309.2).
Identifiers: ClinVar variation 439945 (VCV000439945.9), dbSNP rs1553822281, ClinGen allele CA435307060.